The following is an entry in ClinVar:

NM_001386795.1(DTNA):c.1646+305C>G

Gene: DTNA (dystrobrevin alpha; plus strand). Cytogenetic location: 18q12.1.
Variant type: single nucleotide variant.
Coding change: c.1646+305C>G on transcript NM_001386795.1 (MANE Select); 305 bases into the intron after coding-DNA position 1646, C replaced by G.
Molecular consequence: intron variant.
Genome position (GRCh38, 1-based): chr18:34,858,703, C>G. VCF-style: chr18-34858703-C-G. GRCh37 (hg19) VCF-style: chr18-32438667-C-G.
Other names: c.1394+305C>G (NM_032975.4, NM_001386761.1, NM_032979.5); c.1391+305C>G (NM_001386762.1); c.1475+305C>G (NM_001386754.1, NM_001386755.1, NM_001386757.1 and 4 more transcripts); c.1472+305C>G (NM_001386760.1); c.1385+305C>G (NM_001386763.1, NM_001386764.1, NM_001386771.1 and 9 more transcripts); c.1382+305C>G (NM_001386768.1, NM_001386773.1, NM_001386769.1 and 1 more transcripts); c.815+305C>G (NM_001198945.2); c.1646+305C>G (NM_001386788.1); and 7 more.
Identifiers: ClinVar variation 669425 (VCV000669425.1), dbSNP rs1786584, ClinGen allele CA14585473.
Genomic context (GRCh38, chr18:34,858,703, plus strand): 5'-CTCTTGTTGCCCAGGCTGGAGTGCAATGGCACGATCTCGGTTCACTGCAACCTCTGCCTT[C>G]CAGGTACAAGCAATTCTCCTGTCTCAGCCTCCCAAGAGCTAAGATTACAGGCATGCGCCA-3'

ClinVar aggregate classification (germline): Benign (1 of 4 stars; one submission).

Allele frequency attached by ClinVar (database versions not stated): 1000 Genomes Project 0.15016; 1000 Genomes Project 30x 0.15631; TOPMed 0.17567; gnomAD 0.17646 and 0.18246.
gnomAD v4.1: 26,695 of 152,162 alleles (18%); highest among the groups gnomAD compares: African/African-American, 32%; 2,973 homozygotes.

Submission:

GeneDx
Classification: Benign. Last evaluated: 2018-06-14. Review status: criteria provided, single submitter. Criteria: GeneDx Variant Classification (06012015). Collection method: clinical testing. Allele origin: germline. Affected: yes.
Comment: This variant is considered likely benign or benign based on one or more of the following criteria: it is a conservative change, it occurs at a poorly conserved position in the protein, it is predicted to be benign by multiple in silico algorithms, and/or has population frequency not consistent with disease.